The following is an entry in ClinVar:

NM_000059.4(BRCA2):c.8452G>T (p.Val2818Phe)

Gene: BRCA2 (BRCA2 DNA repair associated; plus strand). Cytogenetic location: 13q13.1.
Variant type: single nucleotide variant.
Coding change: c.8452G>T on transcript NM_000059.4 (MANE Select); coding-DNA position 8452, G replaced by T.
Protein change: p.Val2818Phe; replaces valine 2818 with phenylalanine.
Molecular consequence: missense variant.
Genome position (GRCh38, 1-based): chr13:32,370,522, G>T. VCF-style: chr13-32370522-G-T. GRCh37 (hg19) VCF-style: chr13-32944659-G-T.
Other names: NM_000059.4(BRCA2):c.8452G>T; p.Val2818Phe; short protein forms V2818F.
Identifiers: ClinVar variation 481607 (VCV000481607.22), dbSNP rs80359094, ClinGen allele CA387752584.
Genomic context (GRCh38, chr13:32,370,522, plus strand): 5'-CCTAGACCTTTTCCTCTGCCCTTATCATCGCTTTTCAGTGATGGAGGAAATGTTGGTTGT[G>T]TTGATGTAATTATTCAAAGAGCATACCCTATACAGGTATGATGTATTCTTGAAACTTACC-3'
Protein context (NP_000050.3, residues 2808-2828): LFSDGGNVGC[Val2818Phe]DVIIQRAYPI

ClinVar aggregate classification (germline): Uncertain significance. Review status: reviewed by expert panel (3 of 4 stars). 9 submissions from 9 submitters: Uncertain significance (1). 8 of the submissions do not count toward it. Last evaluated 2026-07-15.

Conditions:
BRCA2-related cancer predisposition. Identifiers: MedGen CN377758, MONDO:0700269.
Hereditary cancer-predisposing syndrome. Also called: Neoplastic Syndromes, Hereditary; Hereditary neoplastic syndrome; Tumor predisposition; Hereditary Cancer Syndrome. Identifiers: Orphanet 140162, MedGen C0027672, MeSH D009386, MONDO:0015356.
Hereditary breast ovarian cancer syndrome. Also called: Hereditary breast and ovarian cancer; BRCA1- and BRCA2-Associated Hereditary Breast and Ovarian Cancer; Hereditary breast and/or ovarian cancer syndrome; Hereditary breast and ovarian cancer syndrome; Hereditary breast and ovarian cancer syndrome (HBOC); Breast and ovarian cancer. Identifiers: Orphanet 145, MedGen C0677776, MeSH D061325, MONDO:0003582. Disease mechanism: loss of function.
Breast-ovarian cancer, familial, susceptibility to, 2 (BROVCA2). Also called: BRCA2 Hereditary Breast and Ovarian Cancer. Identifiers: Orphanet 145, MedGen C2675520, MONDO:0012933, OMIM 612555. Disease mechanism: loss of function.
Fanconi anemia complementation group D1. Also called: BRCA2-Related Fanconi Anemia. Identifiers: Orphanet 319462, MedGen C1838457, MONDO:0011584, OMIM 605724.

gnomAD v4.1: 1 of 1,613,858 alleles (0.000062%); highest among the groups gnomAD compares: African/African-American, 0.0013%; no homozygotes.

Submissions (9):

ClinGen ENIGMA BRCA1 and BRCA2 Variant Curation Expert Panel, ClinGen
Classification: Uncertain significance for BRCA2-related cancer predisposition. Last evaluated: 2026-07-15. Review status: reviewed by expert panel. Criteria: CSpec BRCA1/2ACMG Rules Specifications V1.2. Collection method: curation. Allele origin: germline. Inheritance: Autosomal dominant inheritance.
Comment: The c.8452G>T variant in BRCA2 is a missense variant predicted to cause substitution of Val by Phe at amino acid 2818 (p.(Val2818Phe)). This variant is within a key functional domain and the computational predictor BayesDel (noAF) gives a score of 0.00, which is below the recommended threshold of 0.18 for predicting no impact on BRCA2 via protein change. A SpliceAI score of 0.03 predicts no impact on splicing (score threshold ≤0.1) (BP4 met). This variant is absent from gnomAD v2.1 (exomes only, non-cancer subset, read depth ≥25) and gnomAD v3.1 (non-cancer subset, read depth ≥25) (PM2_Supporting met). Reported by two calibrated studies to exhibit protein function similar to pathogenic control variants (PMIDs:39779857, 39779848) (PS3 met). In summary, this variant meets the criteria to be classified as a Variant of uncertain significance for BRCA2-related cancer predisposition based on the ACMG/AMP criteria applied as specified by the ENIGMA BRCA1/2 VCEP (BP4, PM2_Supporting, PS3).

Ambry Genetics
Classification: Uncertain significance for Hereditary cancer-predisposing syndrome. Last evaluated: 2024-04-08. Review status: criteria provided, single submitter. Criteria: Ambry Variant Classification Scheme 2023. Collection method: clinical testing. Allele origin: germline. Not counted in ClinVar's aggregate classification.
Comment: The p.V2818F variant (also known as c.8452G>T), located in coding exon 18 of the BRCA2 gene, results from a G to T substitution at nucleotide position 8452. The valine at codon 2818 is replaced by phenylalanine, an amino acid with highly similar properties. This alteration has been reported in a breast cancer patient (Abulkhair O et al. J Glob Oncol, 2018 Aug;4:1-9). This alteration has also been reported in the homozygous state in an individual with anemia, leukopenia, thrombocytopenia, and was called a variant of uncertain significance by study authors (AlAbdi L et al. Nat Commun, 2023 Aug;14:5269). This amino acid position is not well conserved in available vertebrate species. In addition, the in silico prediction for this alteration is inconclusive. Based on the available evidence, the clinical significance of this variant remains unclear.

Women's Health and Genetics/Laboratory Corporation of America, LabCorp
Classification: Uncertain significance. Last evaluated: 2024-01-12. Review status: criteria provided, single submitter. Criteria: LabCorp Variant Classification Summary - May 2015. Collection method: clinical testing. Allele origin: germline. Not counted in ClinVar's aggregate classification.
Comment: Variant summary: BRCA2 c.8452G>T (p.Val2818Phe) results in a non-conservative amino acid change located in the OB2 domain (IPR048262) of the encoded protein sequence. Four of five in-silico tools predict a damaging effect of the variant on protein function. The variant was absent in 251400 control chromosomes (gnomAD). The available data on variant occurrences in the general population are insufficient to allow any conclusion about variant significance. These reports do not provide unequivocal conclusions about association of the variant with Hereditary Breast And Ovarian Cancer Syndrome. To our knowledge, no experimental evidence demonstrating an impact on protein function has been reported. The following publications have been ascertained in the context of this evaluation (PMID: 30199306, 34316023, 37344829). ClinVar contains an entry for this variant (Variation ID: 481607). Based on the evidence outlined above, the variant was classified as uncertain significance.

All of Us Research Program, National Institutes of Health
Classification: Uncertain significance for Breast-ovarian cancer, familial, susceptibility to, 2. Last evaluated: 2023-08-15. Review status: criteria provided, single submitter. Criteria: ACMG Guidelines, 2015. Collection method: clinical testing. Allele origin: germline. Inheritance: Autosomal dominant inheritance. Observed: 1 variant allele, 1 heterozygote. Not counted in ClinVar's aggregate classification.
Comment: This missense variant replaces valine with phenylalanine at codon 2818 of the BRCA2 protein. Computational prediction suggests that this variant may not impact protein structure and function (internally defined REVEL score threshold <= 0.5, PMID: 27666373). To our knowledge, functional studies have not been reported for this variant. This variant has been reported in an individual affected with breast cancer (PMID: 30199306). This variant has not been identified in the general population by the Genome Aggregation Database (gnomAD). The available evidence is insufficient to determine the role of this variant in disease conclusively. Therefore, this variant is classified as a Variant of Uncertain Significance.

This study involves interpretation of variants in research participants for the purpose of population health screening. Participant phenotype was not available at the time of variant classification. Additional details can be found in publication PMID: 35346344, PMCID: PMC8962531

KCCC/NGS Laboratory, Kuwait Cancer Control Center
Classification: Uncertain significance for Breast-ovarian cancer, familial, susceptibility to, 2. Last evaluated: 2023-06-06. Review status: criteria provided, single submitter. Criteria: ACMG Guidelines, 2015. Collection method: clinical testing. Allele origin: germline. Affected: yes. Not counted in ClinVar's aggregate classification.
Comment: A variant of uncertain significance was detected in this sample. This sequence change replaces valine at codon 2818 is by phenylalanine, an amino acid with highly similar properties., which located in coding exon 19 of the BRCA2 gene (NM_000059.3), results from a G to T substitution at nucleotide position 8452. This amino acid position is not highly conserved. This variant is not present in population databases (gnomAD ) nor in our local databases . This alteration is predicted to be possibly damaging and deleterious by (PolyPhen , EIGEN PC, FATHMM , LRT,Mutation taster , DANN, M-CAP, MVP , Align GVGD, REVEL and SIFT). In summary, Due to these contrasting evidences and the lack of functional studies, the clinical significance of the p.Val2818Phe change remains unknown at this time. Therefore, it has been classified as a Variant of Uncertain Significance.

Genomic Medicine Center of Excellence, King Faisal Specialist Hospital and Research Centre
Classification: Likely pathogenic for Fanconi anemia complementation group D1. Last evaluated: 2023-05-08. Review status: criteria provided, single submitter. Criteria: ACMG Guidelines, 2015. Collection method: research. Allele origin: germline. Affected: yes. Not counted in ClinVar's aggregate classification.

Labcorp Genetics (formerly Invitae), Labcorp
Classification: Uncertain significance for Hereditary breast ovarian cancer syndrome. Last evaluated: 2021-09-02. Review status: criteria provided, single submitter. Criteria: Invitae Variant Classification Sherloc (09022015). Collection method: clinical testing. Allele origin: germline. Not counted in ClinVar's aggregate classification.
Comment: This sequence change replaces valine with phenylalanine at codon 2818 of the BRCA2 protein (p.Val2818Phe). The valine residue is highly conserved and there is a small physicochemical difference between valine and phenylalanine. This variant is not present in population databases (ExAC no frequency). This missense change has been observed in individual(s) with breast cancer (PMID: 30199306). ClinVar contains an entry for this variant (Variation ID: 481607). Algorithms developed to predict the effect of missense changes on protein structure and function are either unavailable or do not agree on the potential impact of this missense change (SIFT: "Deleterious"; PolyPhen-2: "Probably Damaging"; Align-GVGD: "Class C0"). In summary, the available evidence is currently insufficient to determine the role of this variant in disease. Therefore, it has been classified as a Variant of Uncertain Significance.

Genetic Services Laboratory, University of Chicago
Classification: Uncertain significance. Last evaluated: 2020-06-11. Review status: criteria provided, single submitter. Criteria: ACMG Guidelines, 2015. Collection method: clinical testing. Allele origin: germline. Affected: no. Not counted in ClinVar's aggregate classification.
Comment: DNA sequence analysis of the BRCA2 gene demonstrated a sequence change, c.8452G>T, in exon 19 that results in an amino acid change, p.Val2818Phe. This sequence change has not been described in population databases (gnomAD, ExAC). The p.Val2818Phe change affects a highly conserved amino acid residue located in a domain of the BRCA2 protein that is known to be functional. In-silico pathogenicity prediction tools (SIFT, PolyPhen2, Align GVGD, REVEL) provide contradictory results for the p.Val2818Phe substitution. Due to these contrasting evidences and the lack of functional studies, the clinical significance of the p.Val2818Phe change remains unknown at this time.

BRCAlab, Lund University
Classification: Uncertain significance for Breast-ovarian cancer, familial, susceptibility to, 2. Last evaluated: 2020-03-02. Review status: no assertion criteria provided. Collection method: clinical testing. Allele origin: germline. Affected: yes. Not counted in ClinVar's aggregate classification.

Literature cited by the submitters: PubMed 30199306 (cited by 4 submitters); PubMed 37644014 (cited by Ambry Genetics); PubMed 34316023 (cited by Women's Health and Genetics/Laboratory Corporation of America, LabCorp); PubMed 37344829 (cited by Women's Health and Genetics/Laboratory Corporation of America, LabCorp).